The following is an entry in ClinVar:

NM_001734.5(C1S):c.386C>T (p.Ala129Val)

Gene: C1S (complement C1s; plus strand). Cytogenetic location: 12p13.31.
Variant type: single nucleotide variant.
Coding change: c.386C>T on transcript NM_001734.5 (MANE Select); coding-DNA position 386, C replaced by T.
Protein change: p.Ala129Val; replaces alanine 129 with valine.
Molecular consequence: missense variant. On other transcripts: 5 prime UTR variant (1).
Genome position (GRCh38, 1-based): chr12:7,063,062, C>T. VCF-style: chr12-7063062-C-T. GRCh37 (hg19) VCF-style: chr12-7170366-C-T.
Other names: c.-116C>T (NM_001346850.2); c.386C>T, p.Ala129Val (NM_201442.4); short protein forms A129V.
Identifiers: ClinVar variation 3618708 (VCV003618708.2).

ClinVar aggregate classification (germline): Uncertain significance (1 of 4 stars; one submission).

gnomAD v4.1: 10 of 1,612,898 alleles (0.00062%); highest among the groups gnomAD compares: South Asian, 0.0088%; no homozygotes.

Submission:

Labcorp Genetics (formerly Invitae), Labcorp
Classification: Uncertain significance. Last evaluated: 2024-08-10. Review status: criteria provided, single submitter. Criteria: Invitae Variant Classification Sherloc (09022015). Collection method: clinical testing. Allele origin: germline.
Comment: This sequence change replaces alanine, which is neutral and non-polar, with valine, which is neutral and non-polar, at codon 129 of the C1S protein (p.Ala129Val). This variant is present in population databases (no rsID available, gnomAD 0.01%). This variant has not been reported in the literature in individuals affected with C1S-related conditions. An algorithm developed to predict the effect of missense changes on protein structure and function (PolyPhen-2) suggests that this variant is likely to be disruptive. In summary, the available evidence is currently insufficient to determine the role of this variant in disease. Therefore, it has been classified as a Variant of Uncertain Significance.